The following is an entry in ClinVar:

NM_003742.4(ABCB11):c.1370G>A (p.Ser457Asn)

Gene: ABCB11 (ATP binding cassette subfamily B member 11; minus strand). Cytogenetic location: 2q31.1.
Variant type: single nucleotide variant.
Coding change: c.1370G>A on transcript NM_003742.4 (MANE Select); coding-DNA position 1370, G replaced by A.
Protein change: p.Ser457Asn; replaces serine 457 with asparagine.
Molecular consequence: missense variant.
Genome position (GRCh38, 1-based): chr2:168,973,779, C>T on the plus strand (G>A on the coding strand, the complement: ABCB11 is on the minus strand). VCF-style: chr2-168973779-C-T. GRCh37 (hg19) VCF-style: chr2-169830289-C-T.
Other names: short protein forms S457N.
Identifiers: ClinVar variation 4293582 (VCV004293582.2).

ClinVar aggregate classification (germline): Uncertain significance (1 of 4 stars; one submission).

Conditions:
Progressive familial intrahepatic cholestasis type 2. Identifiers: Orphanet 79304, MedGen C3489789, MONDO:0011156, OMIM 601847.

Submission:

3billion
Classification: Uncertain significance for Progressive familial intrahepatic cholestasis type 2. Last evaluated: 2026-01-25. Review status: criteria provided, single submitter. Criteria: ACMG Guidelines, 2015. Collection method: clinical testing. Allele origin: germline. Affected: yes.
Comment: The variant is not observed in the gnomAD v4.1.0 dataset. Predicted Consequence/Location: Missense variant Damaging effect on gene or gene product predicted by in silico programs is uncertain [REVEL: 0.60 (damaging >=0.6, benign <0.4), 3Cnet: 0.69 (damaging >0.75, benign <0.1)]. The variant has been reported as of uncertain significance (ClinVar ID: VCV004293582; 3billion dataset). Therefore, this variant is classified as VUS according to the recommendation of ACMG/AMP guideline.